The following is an entry in ClinVar:

NM_001039591.3(USP9X):c.6605_6611del (p.Pro2202fs)

Gene: USP9X (ubiquitin specific peptidase 9 X-linked; plus strand). Cytogenetic location: Xp11.4.
Variant type: Deletion.
Coding change: c.6605_6611del on transcript NM_001039591.3 (MANE Select); coding-DNA positions 6605 to 6611, 7 bases deleted (CTGCTAC; older notation c.6605_6611delCTGCTAC).
Protein change: p.Pro2202fs; shifts the reading frame from proline 2202.
Molecular consequence: frameshift variant.
Genome position (GRCh38, 1-based): chrX:41,223,256-41,223,262, CTGCTAC deleted; deleting any 7 consecutive bases within chrX:41,223,253-41,223,262 gives the same sequence; the c. name uses the placement nearest the transcript's 3' end. VCF-style (leftmost placement, unchanged base first): chrX-41223252-GTACCTGC-G. GRCh37 (hg19) VCF-style: chrX-41082505-GTACCTGC-G.
Other names: c.6605_6611del, p.Pro2202fs (NM_001039590.3); c.6620_6626del, p.Pro2207fs (NM_001410748.1, NM_001410749.1, NM_001437534.1); short protein forms P2202fs, P2207fs.
Identifiers: ClinVar variation 4852656 (VCV004852656.2).

ClinVar aggregate classification (germline): Likely pathogenic (1 of 4 stars; one submission).

Submission:

Dasa
Classification: Likely pathogenic. Last evaluated: 2025-09-18. Review status: criteria provided, single submitter. Criteria: DASA Assertion Criteria. Collection method: clinical testing. Allele origin: germline.
Comment: NM_001039591.3(USP9X):c.6605_6611del (p.Pro2202Leufs*7) is a frameshift variant in USP9X predicted to alter the reading frame and introduce a premature termination codon and is predicted to result in an absent or altered protein product. Loss of function is an established disease mechanism for USP9X (PMID: 26833328; PMID: 24607389; PMID: 28377321). Also, this variant is absent from population databases. Based on the currently available evidence, this variant is classified as likely pathogenic.

Literature cited by the submitters: PubMed 26833328; PubMed 24607389; PubMed 28377321.